The following is an entry in ClinVar:

ClinVar aggregate classification (germline): Likely pathogenic. Review status: criteria provided, single submitter (1 of 4 stars). 2 submissions from 2 submitters: Likely pathogenic (1). 1 of the submissions does not count toward it. Last evaluated 2021-02-06.

Conditions:
Usher syndrome type 1F (USH1F). Also called: USHER SYNDROME, TYPE IF. Identifiers: Orphanet 231169, Orphanet 886, MedGen C1865885, MONDO:0011186, OMIM 602083.

Submissions (2):

Labcorp Genetics (formerly Invitae), Labcorp
Classification: Likely pathogenic. Last evaluated: 2021-02-06. Review status: criteria provided, single submitter. Criteria: Invitae Variant Classification Sherloc (09022015). Collection method: clinical testing. Allele origin: germline.
Comment: Algorithms developed to predict the effect of sequence changes on RNA splicing suggest that this variant may disrupt the consensus splice site, but this prediction has not been confirmed by published transcriptional studies. In summary, the currently available evidence indicates that the variant is pathogenic, but additional data are needed to prove that conclusively. Therefore, this variant has been classified as Likely Pathogenic. This variant has not been reported in the literature in individuals with PCDH15-related conditions. ClinVar contains an entry for this variant (Variation ID: 551126). This variant is not present in population databases (ExAC no frequency). This sequence change affects an acceptor splice site in intron 24 of the PCDH15 gene. It is expected to disrupt RNA splicing. Variants that disrupt the donor or acceptor splice site typically lead to a loss of protein function (PMID: 16199547), and loss-of-function variants in PCDH15 are known to be pathogenic (PMID: 11398101, 11487575, 14570705).

Counsyl
Classification: Likely pathogenic for Usher syndrome type 1F. Last evaluated: 2017-03-16. Review status: no assertion criteria provided. Collection method: clinical testing. Allele origin: unknown. Not counted in ClinVar's aggregate classification.

Literature cited by the submitters: PubMed 16199547 (cited by Labcorp Genetics (formerly Invitae), Labcorp); PubMed 11398101 (cited by Labcorp Genetics (formerly Invitae), Labcorp); PubMed 11487575 (cited by Labcorp Genetics (formerly Invitae), Labcorp); PubMed 14570705 (cited by Labcorp Genetics (formerly Invitae), Labcorp).

NM_001384140.1(PCDH15):c.3233-2A>G

Gene: PCDH15 (protocadherin related 15; minus strand). Cytogenetic location: 10q21.1.
Variant type: single nucleotide variant.
Coding change: c.3233-2A>G on transcript NM_001384140.1 (MANE Select); the canonical splice acceptor site of the intron before coding-DNA position 3233, A replaced by G.
Molecular consequence: splice acceptor variant.
Genome position (GRCh38, 1-based): chr10:53,938,957, T>C on the plus strand (A>G on the coding strand, the complement: PCDH15 is on the minus strand). VCF-style: chr10-53938957-T-C. GRCh37 (hg19) VCF-style: chr10-55698717-T-C.
Other names: c.3233-2A>G (NM_001354420.2, NM_001354429.2, NM_001142772.2 and 4 more transcripts); c.3248-2A>G (NM_001142771.2, NM_001142763.2); c.3254-2A>G (NM_001354411.2); c.3269-2A>G (NM_001142769.3); c.3167-2A>G (NM_001354404.2, NM_001142773.2, NM_001142768.2); c.3122-2A>G (NM_001142767.2); c.3020-2A>G (NM_001142765.2).
Identifiers: ClinVar variation 551126 (VCV000551126.10), dbSNP rs1554872194, ClinGen allele CA376516592.